The following is an entry in ClinVar:

NM_152594.3(SPRED1):c.1192G>A (p.Asp398Asn)

Gene: SPRED1 (sprouty related EVH1 domain containing 1; plus strand). Cytogenetic location: 15q14.
Variant type: single nucleotide variant.
Coding change: c.1192G>A on transcript NM_152594.3 (MANE Select); coding-DNA position 1192, G replaced by A.
Protein change: p.Asp398Asn; replaces aspartic acid 398 with asparagine.
Molecular consequence: missense variant.
Genome position (GRCh38, 1-based): chr15:38,351,521, G>A. VCF-style: chr15-38351521-G-A. GRCh37 (hg19) VCF-style: chr15-38643722-G-A.
Other names: short protein forms D398N.
Identifiers: ClinVar variation 536698 (VCV000536698.26), dbSNP rs771480941, ClinGen allele CA7470241.
Genomic context (GRCh38, chr15:38,351,521, plus strand): 5'-CATTGTATGTCAGACTCAGAGGGAGATTTTTCTGATCCCTGTTCGTGTGACACTAGCGAC[G>A]ACAAGTTCTGCTTGCGATGGTTAGCCCTGGTAGCTTTGTCTTTCATTGTACCATGTATGT-3'
Protein context (NP_689807.1, residues 388-408): SDPCSCDTSD[Asp398Asn]KFCLRWLALV

ClinVar aggregate classification (germline): Benign/Likely benign. Review status: criteria provided, multiple submitters, no conflicts (2 of 4 stars). 8 submissions from 8 submitters: Benign (1); Likely benign (7). Last evaluated 2026-07-01.

Conditions:
Cardiovascular phenotype. Identifiers: MedGen CN230736.
Legius syndrome. Identifiers: Orphanet 137605, MedGen C1969623, MONDO:0012669, OMIM 611431. Disease mechanism: loss of function.
SPRED1-related disorder. Also called: SPRED1-related condition.

Allele frequency attached by ClinVar (database versions not stated): gnomAD 0.00009; gnomAD exomes 0.00011 and 0.00043; TOPMed 0.00022; ExAC 0.00040.
gnomAD v4.1: 171 of 1,613,982 alleles (0.011%); highest among the groups gnomAD compares: Admixed American, 0.19%; 1 homozygote.

Submissions (8):

CeGaT Center for Human Genetics Tuebingen
Classification: Likely benign. Last evaluated: 2026-07-01. Review status: criteria provided, single submitter. Criteria: CeGaT Center For Human Genetics Tuebingen Variant Classification Criteria Version 2. Collection method: clinical testing. Allele origin: germline. Affected: yes. Observed: 1 variant allele.
Comment: SPRED1: BS1

Labcorp Genetics (formerly Invitae), Labcorp
Classification: Likely benign for Legius syndrome. Last evaluated: 2026-01-19. Review status: criteria provided, single submitter. Criteria: Invitae Variant Classification Sherloc (09022015). Collection method: clinical testing. Allele origin: germline.

Ambry Genetics
Classification: Benign for Cardiovascular phenotype. Last evaluated: 2025-01-17. Review status: criteria provided, single submitter. Criteria: Ambry Variant Classification Scheme 2023. Collection method: clinical testing. Allele origin: germline.

PreventionGenetics, part of Exact Sciences
Classification: Likely benign for SPRED1-related condition. Last evaluated: 2025-01-15. Review status: criteria provided, single submitter. Criteria: ACMG Guidelines, 2015. Collection method: clinical testing. Allele origin: germline.
Comment: This variant is classified as likely benign based on ACMG/AMP sequence variant interpretation guidelines (Richards et al. 2015 PMID: 25741868, with internal and published modifications).

Blueprint Genetics
Classification: Likely benign. Last evaluated: 2023-01-05. Review status: criteria provided, single submitter. Criteria: ACMG Guidelines, 2015. Collection method: clinical testing. Allele origin: germline.

ARUP Laboratories, Molecular Genetics and Genomics, ARUP Laboratories
Classification: Likely benign for Legius syndrome. Last evaluated: 2021-04-09. Review status: criteria provided, single submitter. Criteria: ARUP Molecular Germline Variant Investigation Process 2021. Collection method: clinical testing. Allele origin: germline.

Women's Health and Genetics/Laboratory Corporation of America, LabCorp
Classification: Likely benign. Last evaluated: 2020-10-26. Review status: criteria provided, single submitter. Criteria: LabCorp Variant Classification Summary - May 2015. Collection method: clinical testing. Allele origin: germline.
Comment: Variant summary: SPRED1 c.1192G>A (p.Asp398Asn) results in a conservative amino acid change in the encoded protein sequence. Three of five in-silico tools predict a benign effect of the variant on protein function. The variant allele was found at a frequency of 0.00043 in 251248 control chromosomes, predominantly at a frequency of 0.0029 within the Latino subpopulation in the gnomAD database, including 1 homozygote. The observed variant frequency within Latino control individuals in the gnomAD database is approximately 516 fold of the estimated maximal expected allele frequency for a pathogenic variant in SPRED1 causing Neurofibromatosis Type 1-Like Syndrome (Legius Syndrome) phenotype (5.6e-06), strongly suggesting that the variant is a benign polymorphism found primarily in populations of Latino origin. c.1192G>A has been reported in the literature (Messiaen_2009). This report however, does not provide unequivocal conclusions about association of the variant with Neurofibromatosis Type 1-Like Syndrome (Legius Syndrome). In in vitro cell based assays (Elk-1 reporter assays and PC12 cell line assays), the variant was found to have wild type activity. One ClinVar submitter (evaluation after 2014) cite the variant as likely benign. Based on the evidence outlined above, the variant was classified as likely benign.

GeneDx
Classification: Likely benign. Last evaluated: 2020-10-20. Review status: criteria provided, single submitter. Criteria: GeneDx Variant Classification Process June 2021. Collection method: clinical testing. Allele origin: germline. Affected: yes.
Comment: This variant is associated with the following publications: (PMID: 19920235)

Literature cited by the submitters: PubMed 19920235 (cited by Women's Health and Genetics/Laboratory Corporation of America, LabCorp).